The following is an entry in ClinVar:

NM_001035.3(RYR2):c.3787T>C (p.Ser1263Pro)

Genes: RYR2 (ryanodine receptor 2; plus strand), LOC126806067 (BRD4-independent group 4 enhancer GRCh37_chr1:237753258-237754457; plus strand). Cytogenetic location: 1q43.
Variant type: single nucleotide variant.
Coding change: c.3787T>C on transcript NM_001035.3 (MANE Select); coding-DNA position 3787, T replaced by C.
Protein change: p.Ser1263Pro; replaces serine 1263 with proline.
Molecular consequence: missense variant.
Genome position (GRCh38, 1-based): chr1:237,589,981, T>C. VCF-style: chr1-237589981-T-C. GRCh37 (hg19) VCF-style: chr1-237753281-T-C.
Other names: short protein forms S1263P.
Identifiers: ClinVar variation 3069957 (VCV003069957.1), dbSNP rs1359049210, ClinGen allele CA345396638.

ClinVar aggregate classification (germline): Uncertain significance (1 of 4 stars; one submission).

Conditions:
Catecholaminergic polymorphic ventricular tachycardia (CVPT). Also called: Catecholamine-induced polymorphic ventricular tachycardia. Identifiers: Orphanet 3286, MedGen C5574922, MONDO:0017990.

Allele frequency attached by ClinVar (database versions not stated): TOPMed below 0.00001; gnomAD 0.00001.
gnomAD v4.1: 1 of 1,613,754 alleles (0.000062%); highest among the groups gnomAD compares: Non-Finnish European, 0.000085%; no homozygotes.

Submission:

All of Us Research Program, National Institutes of Health
Classification: Uncertain significance for Catecholaminergic polymorphic ventricular tachycardia. Last evaluated: 2023-03-28. Review status: criteria provided, single submitter. Criteria: ACMG Guidelines, 2015. Collection method: clinical testing. Allele origin: germline. Inheritance: Autosomal dominant inheritance. Observed: 1 variant allele, 1 heterozygote.
Comment: This study involves interpretation of variants in research participants for the purpose of population health screening. Participant phenotype was not available at the time of variant classification. Additional details can be found in publication PMID: 35346344, PMCID: PMC8962531